The following is an entry in ClinVar:

ClinVar aggregate classification (germline): Uncertain significance (1 of 4 stars; one submission).

Submission:

Labcorp Genetics (formerly Invitae), Labcorp
Classification: Uncertain significance. Last evaluated: 2021-12-02. Review status: criteria provided, single submitter. Criteria: Invitae Variant Classification Sherloc (09022015). Collection method: clinical testing. Allele origin: germline.
Comment: In summary, the available evidence is currently insufficient to determine the role of this variant in disease. Therefore, it has been classified as a Variant of Uncertain Significance. Algorithms developed to predict the effect of missense changes on protein structure and function are either unavailable or do not agree on the potential impact of this missense change (SIFT: "Tolerated"; PolyPhen-2: "Probably Damaging"; Align-GVGD: "Class C0"). This variant has not been reported in the literature in individuals affected with TPI1-related conditions. This variant is not present in population databases (gnomAD no frequency). This sequence change replaces lysine, which is basic and polar, with asparagine, which is neutral and polar, at codon 188 of the TPI1 protein (p.Lys188Asn).

NM_000365.6(TPI1):c.564G>C (p.Lys188Asn)

Gene: TPI1 (triosephosphate isomerase 1; plus strand). Cytogenetic location: 12p13.31.
Variant type: single nucleotide variant.
Coding change: c.564G>C on transcript NM_000365.6 (MANE Select); coding-DNA position 564, G replaced by C.
Protein change: p.Lys188Asn; replaces lysine 188 with asparagine.
Molecular consequence: missense variant.
Genome position (GRCh38, 1-based): chr12:6,870,069, G>C. VCF-style: chr12-6870069-G-C. GRCh37 (hg19) VCF-style: chr12-6979233-G-C.
Other names: c.675G>C, p.Lys225Asn (NM_001159287.1); c.318G>C, p.Lys106Asn (NM_001258026.2); short protein forms K188N, K225N, K106N.
Identifiers: ClinVar variation 1366098 (VCV001366098.8), dbSNP rs2138094675, ClinGen allele CA383712823.